The following is an entry in ClinVar:

ClinVar aggregate classification (germline): Benign (1 of 4 stars; one submission).

Allele frequency attached by ClinVar (database versions not stated): gnomAD 0.37442 and 0.37896; TOPMed 0.38099; 1000 Genomes Project 0.39677; 1000 Genomes Project 30x 0.40053.
gnomAD v4.1: 56,907 of 152,074 alleles (37%); highest among the groups gnomAD compares: East Asian, 54%; 11,397 homozygotes.

Submission:

GeneDx
Classification: Benign. Last evaluated: 2018-06-14. Review status: criteria provided, single submitter. Criteria: GeneDx Variant Classification (06012015). Collection method: clinical testing. Allele origin: germline. Affected: yes.
Comment: This variant is considered likely benign or benign based on one or more of the following criteria: it is a conservative change, it occurs at a poorly conserved position in the protein, it is predicted to be benign by multiple in silico algorithms, and/or has population frequency not consistent with disease.

NM_147127.5(EVC2):c.870+247A>T

Gene: EVC2 (EvC ciliary complex subunit 2; minus strand). Cytogenetic location: 4p16.2.
Variant type: single nucleotide variant.
Coding change: c.870+247A>T on transcript NM_147127.5 (MANE Select); 247 bases into the intron after coding-DNA position 870, A replaced by T.
Molecular consequence: intron variant.
Genome position (GRCh38, 1-based): chr4:5,681,013, T>A on the plus strand (A>T on the coding strand, the complement: EVC2 is on the minus strand). VCF-style: chr4-5681013-T-A. GRCh37 (hg19) VCF-style: chr4-5682740-T-A.
Other names: c.630+247A>T (NM_001166136.2).
Identifiers: ClinVar variation 667865 (VCV000667865.1), dbSNP rs6836026, ClinGen allele CA11634183.